The following is an entry in ClinVar:

NM_002471.4(MYH6):c.4359+8A>C

Gene: MYH6 (myosin heavy chain 6; minus strand). Cytogenetic location: 14q11.2.
Variant type: single nucleotide variant.
Coding change: c.4359+8A>C on transcript NM_002471.4 (MANE Select); 8 bases into the intron after coding-DNA position 4359, A replaced by C.
Molecular consequence: intron variant.
Genome position (GRCh38, 1-based): chr14:23,388,147, T>G on the plus strand (A>C on the coding strand, the complement: MYH6 is on the minus strand). VCF-style: chr14-23388147-T-G. GRCh37 (hg19) VCF-style: chr14-23857356-T-G.
Identifiers: ClinVar variation 226749 (VCV000226749.25), dbSNP rs188675676, ClinGen allele CA7114812.

ClinVar aggregate classification (germline): Benign/Likely benign. Review status: criteria provided, multiple submitters, no conflicts (2 of 4 stars). 8 submissions from 8 submitters: Benign (2); Likely benign (3). 3 of the submissions do not count toward it. Last evaluated 2026-01-25.

Conditions:
Cardiomyopathy (CMYO). Also called: Cardiomyopathies. Identifiers: Orphanet 167848, MedGen C0878544, MONDO:0004994, HP:0001638. Inheritance: Various modes of inheritance.
Hypertrophic cardiomyopathy 14. Identifiers: MedGen C2750467, MONDO:0013197, OMIM 613251.

Allele frequency attached by ClinVar (database versions not stated): gnomAD exomes 0.00026 and 0.00070; gnomAD 0.00031 and 0.00039; TOPMed 0.00061; ExAC 0.00082; 1000 Genomes Project 0.00120; 1000 Genomes Project 30x 0.00141.
gnomAD v4.1: 446 of 1,612,252 alleles (0.028%); highest among the groups gnomAD compares: East Asian, 0.91%; 2 homozygotes.

Submissions (8):

Labcorp Genetics (formerly Invitae), Labcorp
Classification: Likely benign for Hypertrophic cardiomyopathy 14. Last evaluated: 2026-01-25. Review status: criteria provided, single submitter. Criteria: Invitae Variant Classification Sherloc (09022015). Collection method: clinical testing. Allele origin: germline.

Blueprint Genetics
Classification: Likely benign. Last evaluated: 2024-10-04. Review status: criteria provided, single submitter. Criteria: ACMG Guidelines, 2015. Collection method: clinical testing. Allele origin: germline.

CHEO Genetics Diagnostic Laboratory, Children's Hospital of Eastern Ontario
Classification: Benign for Cardiomyopathy. Last evaluated: 2018-04-16. Review status: criteria provided, single submitter. Criteria: ACMG Guidelines, 2015. Collection method: clinical testing. Allele origin: germline.

GeneDx
Classification: Likely benign. Last evaluated: 2018-03-26. Review status: criteria provided, single submitter. Criteria: GeneDx Variant Classification (06012015). Collection method: clinical testing. Allele origin: germline. Affected: yes.
Comment: This variant is considered likely benign or benign based on one or more of the following criteria: it is a conservative change, it occurs at a poorly conserved position in the protein, it is predicted to be benign by multiple in silico algorithms, and/or has population frequency not consistent with disease.

Laboratory for Molecular Medicine, Mass General Brigham Personalized Medicine
Classification: Benign. Last evaluated: 2015-07-02. Review status: criteria provided, single submitter. Criteria: LMM Criteria. Collection method: clinical testing. Allele origin: germline. Observed: 1 variant allele.
Comment: c.4359+8A>C in intron 30 of MYH6: This variant is not expected to have clinical significance because it is not located within the conserved splice consensus seq uence and has been identified in 1.2% (100/8648) of East Asian chromosomes by th e Exome Aggregation Consortium (ExAC; dbSNP rs18 8675676).

Clinical Genetics, Academic Medical Center
Classification: Benign. Review status: no assertion criteria provided. Collection method: clinical testing. Allele origin: germline. Affected: yes. Study: VKGL Data-share Consensus. Not counted in ClinVar's aggregate classification.

Diagnostic Laboratory, Department of Genetics, University Medical Center Groningen
Classification: Benign. Review status: no assertion criteria provided. Collection method: clinical testing. Allele origin: germline. Affected: yes. Study: VKGL Data-share Consensus. Not counted in ClinVar's aggregate classification.

Joint Genome Diagnostic Labs from Nijmegen and Maastricht, Radboudumc and MUMC+
Classification: Likely benign. Review status: no assertion criteria provided. Collection method: clinical testing. Allele origin: germline. Affected: yes. Study: VKGL Data-share Consensus. Not counted in ClinVar's aggregate classification.